The following is an entry in ClinVar:

NM_000503.6(EYA1):c.971T>A (p.Val324Glu)

Gene: EYA1 (EYA transcriptional coactivator and phosphatase 1; minus strand). Cytogenetic location: 8q13.3.
Variant type: single nucleotide variant.
Coding change: c.971T>A on transcript NM_000503.6 (MANE Select); coding-DNA position 971, T replaced by A.
Protein change: p.Val324Glu; replaces valine 324 with glutamic acid.
Molecular consequence: missense variant.
Genome position (GRCh38, 1-based): chr8:71,269,819, A>T on the plus strand (T>A on the coding strand, the complement: EYA1 is on the minus strand). VCF-style: chr8-71269819-A-T. GRCh37 (hg19) VCF-style: chr8-72182054-A-T.
Other names: c.953T>A, p.Val318Glu (NM_001288574.2); c.605T>A, p.Val202Glu (NM_001288575.2); c.1058T>A, p.Val353Glu (NM_001370333.1); c.971T>A, p.Val324Glu (NM_001370334.1, NM_001370335.1, NM_172058.4); c.1040T>A, p.Val347Glu (NM_001370336.1); c.872T>A, p.Val291Glu (NM_001411797.1, NM_172060.4); c.1043T>A, p.Val348Glu (NM_172059.5); short protein forms V318E, V202E, V291E, V324E, V347E, V348E, V353E.
Identifiers: ClinVar variation 4995933 (VCV004995933.1).

ClinVar aggregate classification (germline): Uncertain significance (1 of 4 stars; one submission).

Conditions:
EYA1-related disorder. Also called: EYA1-related condition.

Submission:

PreventionGenetics, part of Exact Sciences
Classification: Uncertain significance for EYA1-related condition. Last evaluated: 2025-12-01. Review status: criteria provided, single submitter. Criteria: ACMG Guidelines, 2015. Collection method: clinical testing. Allele origin: germline.
Comment: The EYA1 c.971T>A variant is predicted to result in the amino acid substitution p.Val324Glu. To our knowledge, this variant has not been reported in the literature or in a large population database (gnomAD), indicating this variant is rare. At this time, the clinical significance of this variant is uncertain due to the absence of conclusive functional and genetic evidence.